The following is an entry in ClinVar:

NM_005996.4(TBX3):c.1236del (p.Asp414fs)

Gene: TBX3 (T-box transcription factor 3; minus strand). Cytogenetic location: 12q24.21.
Variant type: Deletion.
Coding change: c.1236del on transcript NM_005996.4 (MANE Select); coding-DNA position 1236, one base deleted (G; older notation c.1236delG).
Protein change: p.Asp414fs; shifts the reading frame from aspartic acid 414.
Molecular consequence: frameshift variant.
Genome position (GRCh38, 1-based): chr12:114,674,639, C deleted on the plus strand (G on the coding strand, the reverse complement: TBX3 is on the minus strand). VCF-style (leftmost placement, unchanged base first): chr12-114674638-GC-G. GRCh37 (hg19) VCF-style: chr12-115112443-GC-G.
Other names: c.1296del, p.Asp434fs (NM_016569.4); short protein forms D434fs, D414fs.
Identifiers: ClinVar variation 4632803 (VCV004632803.1).

ClinVar aggregate classification (germline): Likely pathogenic (1 of 4 stars; one submission).

Conditions:
Inborn genetic diseases. Identifiers: MedGen C0950123, MeSH D030342.

Submission:

Ambry Genetics
Classification: Likely pathogenic for Inborn genetic diseases. Last evaluated: 2025-10-08. Review status: criteria provided, single submitter. Criteria: Ambry Variant Classification Scheme 2023. Collection method: clinical testing. Allele origin: germline.
Comment: The c.1236delG (p.D414Tfs*198) alteration, located in exon 6 (coding exon 6) of the TBX3 gene, consists of a deletion of one nucleotide at position 1236, causing a translational frameshift with a predicted alternate stop codon after 198 amino acids. This variant is not expected to trigger nonsense-mediated mRNA decay, and impacts the last 42% of the protein. However, premature stop codons are typically deleterious in nature and a significant portion of the protein is affected (Ambry internal data). This variant was not reported in population-based cohorts in the Genome Aggregation Database (gnomAD). Based on the available evidence, this alteration is classified as likely pathogenic.